The following is an entry in ClinVar:

NM_058216.3(RAD51C):c.50T>G (p.Phe17Cys)

Gene: RAD51C (RAD51 paralog C; plus strand). Cytogenetic location: 17q22.
Variant type: single nucleotide variant.
Coding change: c.50T>G on transcript NM_058216.3 (MANE Select); coding-DNA position 50, T replaced by G.
Protein change: p.Phe17Cys; replaces phenylalanine 17 with cysteine.
Molecular consequence: missense variant. On other transcripts: non-coding transcript variant (1).
Genome position (GRCh38, 1-based): chr17:58,692,693, T>G. VCF-style: chr17-58692693-T-G. GRCh37 (hg19) VCF-style: chr17-56770054-T-G.
Other names: c.50T>G, p.Phe17Cys (NM_002876.4); short protein forms F17C.
Identifiers: ClinVar variation 825447 (VCV000825447.17), dbSNP rs1411454855, ClinGen allele CA400336669.

ClinVar aggregate classification (germline): Conflicting classifications of pathogenicity. Review status: criteria provided, conflicting classifications (1 of 4 stars). 3 submissions from 3 submitters: Uncertain significance (2); Benign (1). Last evaluated 2026-01-13.

Conditions:
Hereditary cancer-predisposing syndrome. Also called: Neoplastic Syndromes, Hereditary; Hereditary Cancer Syndrome; Hereditary neoplastic syndrome; Tumor predisposition. Identifiers: Orphanet 140162, MedGen C0027672, MeSH D009386, MONDO:0015356.
Fanconi anemia complementation group O. Also called: RAD51C-Related Fanconi Anemia. Identifiers: Orphanet 84, MedGen C3150653, MONDO:0013248, OMIM 613390.

Allele frequency attached by ClinVar (database versions not stated): gnomAD exomes below 0.00001.
gnomAD v4.1: 1 of 1,614,228 alleles (0.000062%); highest among the groups gnomAD compares: Non-Finnish European, 0.000085%; no homozygotes.

Submissions (3):

Labcorp Genetics (formerly Invitae), Labcorp
Classification: Uncertain significance for Fanconi anemia complementation group O. Last evaluated: 2026-01-13. Review status: criteria provided, single submitter. Criteria: Invitae Variant Classification Sherloc (09022015). Collection method: clinical testing. Allele origin: germline.
Comment: This sequence change replaces phenylalanine, which is neutral and non-polar, with cysteine, which is neutral and slightly polar, at codon 17 of the RAD51C protein (p.Phe17Cys). This variant is not present in population databases (gnomAD no frequency). This variant has not been reported in the literature in individuals affected with RAD51C-related conditions. ClinVar contains an entry for this variant (Variation ID: 825447). An algorithm developed to predict the effect of missense changes on protein structure and function (PolyPhen-2) suggests that this variant is likely to be disruptive. In summary, the available evidence is currently insufficient to determine the role of this variant in disease. Therefore, it has been classified as a Variant of Uncertain Significance.

Ambry Genetics
Classification: Benign for Hereditary cancer-predisposing syndrome. Last evaluated: 2025-10-28. Review status: criteria provided, single submitter. Criteria: Ambry Variant Classification Scheme 2023. Collection method: clinical testing. Allele origin: germline.

Color Diagnostics, LLC DBA Color Health
Classification: Uncertain significance for Hereditary cancer-predisposing syndrome. Last evaluated: 2023-12-04. Review status: criteria provided, single submitter. Criteria: ACMG Guidelines, 2015. Collection method: clinical testing. Allele origin: germline.
Comment: This missense variant replaces phenylalanine with cysteine at codon 17 of the RAD51C protein. Computational prediction suggests that this variant may not impact protein structure and function (internally defined REVEL score threshold <= 0.5, PMID: 27666373). To our knowledge, functional studies have not been reported for this variant. This variant has not been reported in individuals affected with RAD51C-related disorders in the literature. This variant has not been identified in the general population by the Genome Aggregation Database (gnomAD). The available evidence is insufficient to determine the role of this variant in disease conclusively. Therefore, this variant is classified as a Variant of Uncertain Significance.